The following is an entry in ClinVar:

NM_002834.5(PTPN11):c.1676C>T (p.Pro559Leu)

Gene: PTPN11 (protein tyrosine phosphatase non-receptor type 11; plus strand). Cytogenetic location: 12q24.13.
Variant type: single nucleotide variant.
Coding change: c.1676C>T on transcript NM_002834.5 (MANE Select); coding-DNA position 1676, C replaced by T.
Protein change: p.Pro559Leu; replaces proline 559 with leucine.
Molecular consequence: missense variant.
Genome position (GRCh38, 1-based): chr12:112,502,220, C>T. VCF-style: chr12-112502220-C-T. GRCh37 (hg19) VCF-style: chr12-112940024-C-T.
Other names: c.1688C>T, p.Pro563Leu (NM_001330437.2); c.1673C>T, p.Pro558Leu (NM_001374625.1); short protein forms P558L, P559L, P563L.
Identifiers: ClinVar variation 2587733 (VCV002587733.5), dbSNP rs1253971623, ClinGen allele CA386783494.

ClinVar aggregate classification (germline): Uncertain significance. Review status: criteria provided, multiple submitters, no conflicts (2 of 4 stars). 2 submissions from 2 submitters: Uncertain significance (2). Last evaluated 2023-07-15.

Conditions:
Cardiovascular phenotype. Identifiers: MedGen CN230736.
RASopathy. Also called: rasopathies; Noonan spectrum disorder. Identifiers: Orphanet 536391, MedGen C5555857, MONDO:0021060.

Submissions (2):

Ambry Genetics
Classification: Uncertain significance for Cardiovascular phenotype. Last evaluated: 2023-07-15. Review status: criteria provided, single submitter. Criteria: Ambry Variant Classification Scheme 2023. Collection method: clinical testing. Allele origin: germline.
Comment: The p.P559L variant (also known as c.1676C>T), located in coding exon 14 of the PTPN11 gene, results from a C to T substitution at nucleotide position 1676. The proline at codon 559 is replaced by leucine, an amino acid with similar properties. This amino acid position is conserved. In addition, this alteration is predicted to be tolerated by in silico analysis. Since supporting evidence is limited at this time, the clinical significance of this alteration remains unclear.

Labcorp Genetics (formerly Invitae), Labcorp
Classification: Uncertain significance for RASopathy. Last evaluated: 2023-03-07. Review status: criteria provided, single submitter. Criteria: Invitae Variant Classification Sherloc (09022015). Collection method: clinical testing. Allele origin: germline.
Comment: Advanced modeling of protein sequence and biophysical properties (such as structural, functional, and spatial information, amino acid conservation, physicochemical variation, residue mobility, and thermodynamic stability) has been performed at Invitae for this missense variant, however the output from this modeling did not meet the statistical confidence thresholds required to predict the impact of this variant on PTPN11 protein function. In summary, the available evidence is currently insufficient to determine the role of this variant in disease. Therefore, it has been classified as a Variant of Uncertain Significance. This variant has not been reported in the literature in individuals affected with PTPN11-related conditions. This variant is not present in population databases (gnomAD no frequency). This sequence change replaces proline, which is neutral and non-polar, with leucine, which is neutral and non-polar, at codon 559 of the PTPN11 protein (p.Pro559Leu).